The following is an entry in ClinVar:

NM_017636.4(TRPM4):c.2906G>A (p.Arg969His)

Gene: TRPM4 (transient receptor potential cation channel subfamily M member 4; plus strand). Cytogenetic location: 19q13.33.
Variant type: single nucleotide variant.
Coding change: c.2906G>A on transcript NM_017636.4 (MANE Select); coding-DNA position 2906, G replaced by A.
Protein change: p.Arg969His; replaces arginine 969 with histidine.
Molecular consequence: missense variant.
Genome position (GRCh38, 1-based): chr19:49,200,738, G>A. VCF-style: chr19-49200738-G-A. GRCh37 (hg19) VCF-style: chr19-49703995-G-A.
Other names: c.2471G>A, p.Arg824His (NM_001195227.2); c.2561G>A, p.Arg854His (NM_001321281.2); c.1298G>A, p.Arg433His (NM_001321282.2); c.2384G>A, p.Arg795His (NM_001321283.2); c.1844G>A, p.Arg615His (NM_001321285.2); c.2906G>A (NM_017636.3); short protein forms R795H, R433H, R824H, R969H, R615H, R854H.
Identifiers: ClinVar variation 1035107 (VCV001035107.9), dbSNP rs1468804565, ClinGen allele CA406812108.

ClinVar aggregate classification (germline): Uncertain significance. Review status: criteria provided, multiple submitters, no conflicts (2 of 4 stars). 2 submissions from 2 submitters: Uncertain significance (2). Last evaluated 2024-02-13.

Conditions:
Cardiovascular phenotype. Identifiers: MedGen CN230736.
Progressive familial heart block type IB (PFHB1B). Identifiers: Orphanet 871, MedGen C1970298, MONDO:0011474, OMIM 604559.

Allele frequency attached by ClinVar (database versions not stated): gnomAD exomes below 0.00001; TOPMed below 0.00001; gnomAD 0.00001.
gnomAD v4.1: 7 of 1,613,990 alleles (0.00043%); highest among the groups gnomAD compares: Non-Finnish European, 0.000085%; no homozygotes.

Submissions (2):

Ambry Genetics
Classification: Uncertain significance for Cardiovascular phenotype. Last evaluated: 2024-02-13. Review status: criteria provided, single submitter. Criteria: Ambry Variant Classification Scheme 2023. Collection method: clinical testing. Allele origin: germline.
Comment: The p.R969H variant (also known as c.2906G>A), located in coding exon 19 of the TRPM4 gene, results from a G to A substitution at nucleotide position 2906. The arginine at codon 969 is replaced by histidine, an amino acid with highly similar properties. This amino acid position is well conserved in available vertebrate species. In addition, the in silico prediction for this alteration is inconclusive. Based on the available evidence, the clinical significance of this alteration remains unclear.

Labcorp Genetics (formerly Invitae), Labcorp
Classification: Uncertain significance for Progressive familial heart block type IB. Last evaluated: 2020-07-01. Review status: criteria provided, single submitter. Criteria: Invitae Variant Classification Sherloc (09022015). Collection method: clinical testing. Allele origin: germline.
Comment: This sequence change replaces arginine with histidine at codon 969 of the TRPM4 protein (p.Arg969His). The arginine residue is moderately conserved and there is a small physicochemical difference between arginine and histidine. This variant is not present in population databases (ExAC no frequency). This variant has not been reported in the literature in individuals with TRPM4-related conditions. In summary, the available evidence is currently insufficient to determine the role of this variant in disease. Therefore, it has been classified as a Variant of Uncertain Significance. Algorithms developed to predict the effect of missense changes on protein structure and function are either unavailable or do not agree on the potential impact of this missense change (SIFT: "Deleterious"; PolyPhen-2: "Probably Damaging"; Align-GVGD: "Class C0").